The following is an entry in ClinVar:

NM_001378454.1(ALMS1):c.8722C>T (p.Pro2908Ser)

Gene: ALMS1 (ALMS1 centrosome and basal body associated protein; plus strand). Cytogenetic location: 2p13.1.
Variant type: single nucleotide variant.
Coding change: c.8722C>T on transcript NM_001378454.1 (MANE Select); coding-DNA position 8722, C replaced by T.
Protein change: p.Pro2908Ser; replaces proline 2908 with serine.
Molecular consequence: missense variant.
Genome position (GRCh38, 1-based): chr2:73,490,681, C>T. VCF-style: chr2-73490681-C-T. GRCh37 (hg19) VCF-style: chr2-73717808-C-T.
Other names: c.8725C>T, p.Pro2909Ser (NM_015120.4); short protein forms P2909S, P2908S.
Identifiers: ClinVar variation 1764455 (VCV001764455.2), dbSNP rs1034536249, ClinGen allele CA50379146.

ClinVar aggregate classification (germline): Uncertain significance (1 of 4 stars; one submission).

Conditions:
Cardiovascular phenotype. Identifiers: MedGen CN230736.

Allele frequency attached by ClinVar (database versions not stated): TOPMed 0.00001.

Submission:

Ambry Genetics
Classification: Uncertain significance for Cardiovascular phenotype. Last evaluated: 2021-11-05. Review status: criteria provided, single submitter. Criteria: Ambry Variant Classification Scheme 2023. Collection method: clinical testing. Allele origin: germline.
Comment: The p.P2909S variant (also known as c.8725C>T), located in coding exon 10 of the ALMS1 gene, results from a C to T substitution at nucleotide position 8725. The proline at codon 2909 is replaced by serine, an amino acid with similar properties. This amino acid position is well conserved in available vertebrate species. In addition, this alteration is predicted to be tolerated by in silico analysis. Since supporting evidence is limited at this time, the clinical significance of this alteration remains unclear.